The following is an entry in ClinVar:

ClinVar aggregate classification (germline): Conflicting classifications of pathogenicity. Review status: criteria provided, conflicting classifications (1 of 4 stars). 3 submissions from 3 submitters: Uncertain significance (2); Benign (1). Last evaluated 2025-09-04.

Allele frequency attached by ClinVar (database versions not stated): ExAC 0.00046.

Submissions (3):

Women's Health and Genetics/Laboratory Corporation of America, LabCorp
Classification: Uncertain significance. Last evaluated: 2025-09-04. Review status: criteria provided, single submitter. Criteria: LabCorp Variant Classification Summary - May 2015. Collection method: clinical testing. Allele origin: germline.
Comment: Variant summary: COX10 c.773T>A (p.Leu258His) results in a non-conservative amino acid change located in the Protoheme IX farnesyltransferase domain (IPR006369) of the encoded protein sequence. Algorithms developed to predict the effect of missense changes on protein structure and function all suggest that this variant is likely to be disruptive. The frequency data for this variant in gnomAD is considered unreliable, as metrics indicate poor data quality at this position. To our knowledge, no occurrence of c.773T>A in individuals affected with COX10-related conditions and no experimental evidence demonstrating its impact on protein function have been reported. ClinVar contains an entry for this variant (Variation ID: 136997). Based on the evidence outlined above, the variant was classified as uncertain significance.

Genomic Diagnostic Laboratory, Division of Genomic Diagnostics, Children's Hospital of Philadelphia
Classification: Uncertain significance. Last evaluated: 2015-02-13. Review status: criteria provided, single submitter. Criteria: DGD Variant Analysis Guidelines. Collection method: clinical testing. Allele origin: unknown.

GeneDx
Classification: Benign. Last evaluated: 2014-04-25. Review status: criteria provided, single submitter. Criteria: GeneDx Variant Classification (06012015). Collection method: clinical testing. Allele origin: germline. Affected: yes.
Comment: This variant is considered likely benign or benign based on one or more of the following criteria: it is a conservative change, it occurs at a poorly conserved position in the protein, it is predicted to be benign by multiple in silico algorithms, and/or has population frequency not consistent with disease.

NM_001303.4(COX10):c.773T>A (p.Leu258His)

Genes: COX10 (cytochrome c oxidase assembly factor heme A:farnesyltransferase COX10; plus strand), LOC105943586 (distal CMT1A-REP; plus strand). Cytogenetic location: 17p12.
Variant type: single nucleotide variant.
Coding change: c.773T>A on transcript NM_001303.4 (MANE Select); coding-DNA position 773, T replaced by A.
Protein change: p.Leu258His; replaces leucine 258 with histidine.
Molecular consequence: missense variant.
Genome position (GRCh38, 1-based): chr17:14,192,066, T>A. VCF-style: chr17-14192066-T-A. GRCh37 (hg19) VCF-style: chr17-14095383-T-A.
Other names: p.L258H:CTC>CAC; short protein forms L258H.
Identifiers: ClinVar variation 136997 (VCV000136997.3), dbSNP rs587780911, ClinGen allele CA248977.